The following is an entry in ClinVar:

ClinVar aggregate classification (germline): Uncertain significance. Review status: criteria provided, multiple submitters, no conflicts (2 of 4 stars). 3 submissions from 3 submitters: Uncertain significance (3). Last evaluated 2023-06-26.

Conditions:
Hereditary nonpolyposis colorectal neoplasms. Identifiers: MedGen C0009405, MeSH D003123.
Hereditary cancer-predisposing syndrome. Also called: Neoplastic Syndromes, Hereditary; Tumor predisposition; Hereditary Cancer Syndrome; Hereditary neoplastic syndrome. Identifiers: Orphanet 140162, MedGen C0027672, MeSH D009386, MONDO:0015356.
Lynch syndrome. Identifiers: Orphanet 144, MedGen C4552100, MONDO:0005835. Disease mechanism: loss of function.

Submissions (3):

All of Us Research Program, National Institutes of Health
Classification: Uncertain significance for Lynch syndrome. Last evaluated: 2023-06-26. Review status: criteria provided, single submitter. Criteria: ACMG Guidelines, 2015. Collection method: clinical testing. Allele origin: germline. Inheritance: Autosomal dominant inheritance. Observed: 1 variant allele, 1 heterozygote.
Comment: This missense variant replaces lysine with arginine at codon 666 of the PMS2 protein. Computational prediction suggests that this variant may not impact protein structure and function (internally defined REVEL score threshold <= 0.5, PMID: 27666373). To our knowledge, functional studies have not been reported for this variant. This variant has not been reported in individuals affected with PMS2-related disorders in the literature. This variant has not been identified in the general population by the Genome Aggregation Database (gnomAD). The available evidence is insufficient to determine the role of this variant in disease conclusively. Therefore, this variant is classified as a Variant of Uncertain Significance.

This study involves interpretation of variants in research participants for the purpose of population health screening. Participant phenotype was not available at the time of variant classification. Additional details can be found in publication PMID: 35346344, PMCID: PMC8962531

Labcorp Genetics (formerly Invitae), Labcorp
Classification: Uncertain significance for Hereditary nonpolyposis colorectal neoplasms. Last evaluated: 2023-01-24. Review status: criteria provided, single submitter. Criteria: Invitae Variant Classification Sherloc (09022015). Collection method: clinical testing. Allele origin: germline.
Comment: In summary, the available evidence is currently insufficient to determine the role of this variant in disease. Therefore, it has been classified as a Variant of Uncertain Significance. Advanced modeling of protein sequence and biophysical properties (such as structural, functional, and spatial information, amino acid conservation, physicochemical variation, residue mobility, and thermodynamic stability) performed at Invitae indicates that this missense variant is not expected to disrupt PMS2 protein function. ClinVar contains an entry for this variant (Variation ID: 1784071). This variant has not been reported in the literature in individuals affected with PMS2-related conditions. This variant is not present in population databases (gnomAD no frequency). This sequence change replaces lysine, which is basic and polar, with arginine, which is basic and polar, at codon 666 of the PMS2 protein (p.Lys666Arg).

Ambry Genetics
Classification: Uncertain significance for Hereditary cancer-predisposing syndrome. Last evaluated: 2022-03-14. Review status: criteria provided, single submitter. Criteria: Ambry Variant Classification Scheme 2023. Collection method: clinical testing. Allele origin: germline.
Comment: The p.K666R variant (also known as c.1997A>G), located in coding exon 11 of the PMS2 gene, results from an A to G substitution at nucleotide position 1997. The lysine at codon 666 is replaced by arginine, an amino acid with highly similar properties. This amino acid position is conserved. In addition, this alteration is predicted to be tolerated by in silico analysis. Since supporting evidence is limited at this time, the clinical significance of this alteration remains unclear.

NM_000535.7(PMS2):c.1997A>G (p.Lys666Arg)

Gene: PMS2 (PMS1 homolog 2, mismatch repair system component; minus strand). Cytogenetic location: 7p22.1.
Variant type: single nucleotide variant.
Coding change: c.1997A>G on transcript NM_000535.7 (MANE Select); coding-DNA position 1997, A replaced by G.
Protein change: p.Lys666Arg; replaces lysine 666 with arginine.
Molecular consequence: missense variant. On other transcripts: non-coding transcript variant (1).
Genome position (GRCh38, 1-based): chr7:5,986,768, T>C on the plus strand (A>G on the coding strand, the complement: PMS2 is on the minus strand). VCF-style: chr7-5986768-T-C. GRCh37 (hg19) VCF-style: chr7-6026399-T-C.
Other names: c.1592A>G, p.Lys531Arg (NM_001018040.1, NM_001322003.2, NM_001322004.2 and 17 more transcripts); c.1841A>G, p.Lys614Arg (NM_001322006.2, NM_001406870.1); c.1679A>G, p.Lys560Arg (NM_001322007.2, NM_001322008.2, NM_001406876.1 and 2 more transcripts); c.1436A>G, p.Lys479Arg (NM_001322010.2, NM_001406906.1, NM_001406907.1); c.1064A>G, p.Lys355Arg (NM_001322011.2, NM_001322012.2); c.1424A>G, p.Lys475Arg (NM_001322013.2, NM_001406909.1); c.1997A>G, p.Lys666Arg (NM_001322014.2, NM_001406871.1, NM_001406872.1); c.1688A>G, p.Lys563Arg (NM_001322015.2, NM_001406875.1, NM_001406877.1 and 5 more transcripts); and 12 more; short protein forms K475R, K495R, K544R, K614R, K630R, K508R, K666R, K728R.
Identifiers: ClinVar variation 1784071 (VCV001784071.6), dbSNP rs2128719994, ClinGen allele CA366738891.